The following is an entry in ClinVar:

ClinVar aggregate classification (germline): Uncertain significance (1 of 4 stars; one submission).

Conditions:
3-methylglutaconic aciduria with deafness, encephalopathy, and Leigh-like syndrome (MEGDEL). Also called: 3-METHYLGLUTACONIC ACIDURIA, TYPE VI; SERAC1 Deficiency; MEGDEL syndrome. Identifiers: Orphanet 352328, MedGen C4040739, MONDO:0013875, OMIM 614739.

Allele frequency attached by ClinVar (database versions not stated): gnomAD 0.00002; TOPMed 0.00002; gnomAD exomes below 0.00001 and 0.00001.
gnomAD v4.1: 9 of 1,606,726 alleles (0.00056%); highest among the groups gnomAD compares: African/African-American, 0.012%; no homozygotes.

Submission:

Labcorp Genetics (formerly Invitae), Labcorp
Classification: Uncertain significance for 3-methylglutaconic aciduria with deafness, encephalopathy, and Leigh-like syndrome. Last evaluated: 2021-11-11. Review status: criteria provided, single submitter. Criteria: Invitae Variant Classification Sherloc (09022015). Collection method: clinical testing. Allele origin: germline.
Comment: In summary, the available evidence is currently insufficient to determine the role of this variant in disease. Therefore, it has been classified as a Variant of Uncertain Significance. Algorithms developed to predict the effect of missense changes on protein structure and function are either unavailable or do not agree on the potential impact of this missense change (SIFT: "Deleterious"; PolyPhen-2: "Possibly Damaging"; Align-GVGD: "Class C0"). This variant has not been reported in the literature in individuals affected with SERAC1-related conditions. This variant is present in population databases (no rsID available, gnomAD 0.01%). This sequence change replaces tyrosine, which is neutral and polar, with histidine, which is basic and polar, at codon 548 of the SERAC1 protein (p.Tyr548His).

NM_032861.4(SERAC1):c.1642T>C (p.Tyr548His)

Gene: SERAC1 (serine active site containing 1; minus strand). Cytogenetic location: 6q25.3.
Variant type: single nucleotide variant.
Coding change: c.1642T>C on transcript NM_032861.4 (MANE Select); coding-DNA position 1642, T replaced by C.
Protein change: p.Tyr548His; replaces tyrosine 548 with histidine.
Molecular consequence: missense variant. On other transcripts: non-coding transcript variant (1).
Genome position (GRCh38, 1-based): chr6:158,114,831, A>G on the plus strand (T>C on the coding strand, the complement: SERAC1 is on the minus strand). VCF-style: chr6-158114831-A-G. GRCh37 (hg19) VCF-style: chr6-158535863-A-G.
Other names: short protein forms Y548H.
Identifiers: ClinVar variation 1470232 (VCV001470232.6), dbSNP rs1331741437, ClinGen allele CA366254971.